The following is an entry in ClinVar:

NM_133433.4(NIPBL):c.4609A>G (p.Thr1537Ala)

Gene: NIPBL (NIPBL cohesin loading factor; plus strand). Cytogenetic location: 5p13.2.
Variant type: single nucleotide variant.
Coding change: c.4609A>G on transcript NM_133433.4 (MANE Select); coding-DNA position 4609, A replaced by G.
Protein change: p.Thr1537Ala; replaces threonine 1537 with alanine.
Molecular consequence: missense variant.
Genome position (GRCh38, 1-based): chr5:37,014,731, A>G. VCF-style: chr5-37014731-A-G. GRCh37 (hg19) VCF-style: chr5-37014833-A-G.
Other names: c.4609A>G, p.Thr1537Ala (NM_001438586.1, NM_015384.5); short protein forms T1537A.
Identifiers: ClinVar variation 4984271 (VCV004984271.1).

ClinVar aggregate classification (germline): Uncertain significance (1 of 4 stars; one submission).

Conditions:
NIPBL-related disorder. Also called: NIPBL-related condition.

gnomAD v4.1: 3 of 1,608,570 alleles (0.00019%); highest among the groups gnomAD compares: Non-Finnish European, 0.00017%; no homozygotes.

Submission:

PreventionGenetics, part of Exact Sciences
Classification: Uncertain significance for NIPBL-related condition. Last evaluated: 2026-06-01. Review status: criteria provided, single submitter. Criteria: ACMG Guidelines, 2015. Collection method: clinical testing. Allele origin: germline.
Comment: The NIPBL c.4609A>G variant is predicted to result in the amino acid substitution p.Thr1537Ala. To our knowledge, this variant has not been reported in the literature. This variant is present in 0.00088% of alleles in individuals of European (Non-Finnish) descent in gnomAD. At this time, the clinical significance of this variant is uncertain due to the absence of conclusive functional and genetic evidence.